The following is an entry in ClinVar:

NM_000285.4(PEPD):c.946G>T (p.Val316Phe)

Gene: PEPD (peptidase D; minus strand). Cytogenetic location: 19q13.11.
Variant type: single nucleotide variant.
Coding change: c.946G>T on transcript NM_000285.4 (MANE Select); coding-DNA position 946, G replaced by T.
Protein change: p.Val316Phe; replaces valine 316 with phenylalanine.
Molecular consequence: missense variant.
Genome position (GRCh38, 1-based): chr19:33,401,742, C>A on the plus strand (G>T on the coding strand, the complement: PEPD is on the minus strand). VCF-style: chr19-33401742-C-A. GRCh37 (hg19) VCF-style: chr19-33892648-C-A.
Other names: p.Val316Phe; c.823G>T, p.Val275Phe (NM_001166056.2); c.754G>T, p.Val252Phe (NM_001166057.2); short protein forms V252F, V275F, V316F.
Identifiers: ClinVar variation 1977397 (VCV001977397.4), dbSNP rs370219399, ClinGen allele CA9364073.

ClinVar aggregate classification (germline): Uncertain significance. Review status: criteria provided, multiple submitters, no conflicts (2 of 4 stars). 2 submissions from 2 submitters: Uncertain significance (2). Last evaluated 2024-11-12.

gnomAD v4.1: 3 of 1,608,562 alleles (0.00019%); highest among the groups gnomAD compares: African/African-American, 0.0013%; no homozygotes.

Submissions (2):

Mayo Clinic Laboratories, Mayo Clinic
Classification: Uncertain significance. Last evaluated: 2024-11-12. Review status: criteria provided, single submitter. Criteria: ACMG Guidelines, 2015. Collection method: clinical testing. Allele origin: germline. Observed: 1 variant allele.
Comment: PP3, PM2_supporting

Labcorp Genetics (formerly Invitae), Labcorp
Classification: Uncertain significance. Last evaluated: 2022-04-29. Review status: criteria provided, single submitter. Criteria: Invitae Variant Classification Sherloc (09022015). Collection method: clinical testing. Allele origin: germline.
Comment: This sequence change replaces valine, which is neutral and non-polar, with phenylalanine, which is neutral and non-polar, at codon 316 of the PEPD protein (p.Val316Phe). This variant is not present in population databases (gnomAD no frequency). This variant has not been reported in the literature in individuals affected with PEPD-related conditions. Algorithms developed to predict the effect of missense changes on protein structure and function are either unavailable or do not agree on the potential impact of this missense change (SIFT: "Deleterious"; PolyPhen-2: "Probably Damaging"; Align-GVGD: "Class C0"). In summary, the available evidence is currently insufficient to determine the role of this variant in disease. Therefore, it has been classified as a Variant of Uncertain Significance.